The following is an entry in ClinVar:

NM_001009944.3(PKD1):c.10290G>A (p.Val3430=)

Gene: PKD1 (polycystin 1, transient receptor potential channel interacting; minus strand). Cytogenetic location: 16p13.3.
Variant type: single nucleotide variant.
Coding change: c.10290G>A on transcript NM_001009944.3 (MANE Select); coding-DNA position 10290, G replaced by A.
Protein change: p.Val3430=; no amino-acid change (valine 3430 retained).
Molecular consequence: synonymous variant.
Genome position (GRCh38, 1-based): chr16:2,097,434, C>T on the plus strand (G>A on the coding strand, the complement: PKD1 is on the minus strand). VCF-style: chr16-2097434-C-T. GRCh37 (hg19) VCF-style: chr16-2147435-C-T.
Other names: c.10287G>A, p.Val3429= (NM_000296.4).
Identifiers: ClinVar variation 3234074 (VCV003234074.2), dbSNP rs2544688515, ClinGen allele CA493045332.

ClinVar aggregate classification (germline): Uncertain significance. Review status: criteria provided, multiple submitters, no conflicts (2 of 4 stars). 2 submissions from 2 submitters: Uncertain significance (2). Last evaluated 2024-01-24.

Conditions:
Polycystic kidney disease, adult type (PKD1). Also called: Polycystic Kidney Disease 1, Autosomal Dominant; Polycystic kidney disease 1; Polycystic kidney disease 1, severe; Polycystic Kidney, Autosomal Dominant; POLYCYSTIC KIDNEY DISEASE 1 WITH OR WITHOUT POLYCYSTIC LIVER DISEASE; POLYCYSTIC KIDNEY DISEASE, ADULT, TYPE I. Identifiers: MedGen C3149841, MONDO:0008263, OMIM 173900.

Submissions (2):

Fulgent Genetics
Classification: Uncertain significance for Polycystic kidney disease, adult type. Last evaluated: 2024-01-24. Review status: criteria provided, single submitter. Criteria: ACMG Guidelines, 2015. Collection method: clinical testing. Allele origin: germline.

MVZ Medizinische Genetik Mainz
Classification: Uncertain significance for Polycystic kidney disease, adult type. Last evaluated: 2023-02-15. Review status: criteria provided, single submitter. Criteria: UK Practice Guidelines For Variant Classification V4 01 2020. Collection method: clinical testing. Allele origin: germline. Inheritance: Autosomal dominant inheritance. Affected: yes. Observed: 1 variant allele.
Comment: ACMG Criteria: PM2_SUP